The following is an entry in ClinVar:

NM_001267550.2(TTN):c.68973A>C (p.Ser22991=)

Genes: TTN (titin; minus strand), TTN-AS1 (TTN antisense RNA 1; plus strand). Cytogenetic location: 2q31.2.
Variant type: single nucleotide variant.
Coding change: c.68973A>C on transcript NM_001267550.2 (MANE Select); coding-DNA position 68973, A replaced by C.
Protein change: p.Ser22991=; no amino-acid change (serine 22991 retained).
Molecular consequence: synonymous variant.
Genome position (GRCh38, 1-based): chr2:178,577,362, T>G on the plus strand (A>C on the coding strand, the complement: TTN is on the minus strand). VCF-style: chr2-178577362-T-G. GRCh37 (hg19) VCF-style: chr2-179442089-T-G.
Other names: c.64050A>C, p.Ser21350= (NM_001256850.1); c.41778A>C, p.Ser13926= (NM_003319.4); c.61269A>C, p.Ser20423= (NM_133378.4); c.42153A>C, p.Ser14051= (NM_133432.3); c.42354A>C, p.Ser14118= (NM_133437.4).
Identifiers: ClinVar variation 3761823 (VCV003761823.3), dbSNP rs2046668527.

ClinVar aggregate classification (germline): Likely benign. Review status: criteria provided, multiple submitters, no conflicts (2 of 4 stars). 2 submissions from 2 submitters: Likely benign (2). Last evaluated 2025-04-09.

Conditions:
Autosomal recessive limb-girdle muscular dystrophy type 2J (LGMDR10). Also called: Limb-girdle muscular dystrophy, type 2J; MUSCULAR DYSTROPHY, LIMB-GIRDLE, AUTOSOMAL RECESSIVE 10. Identifiers: Orphanet 140922, MedGen C1837342, MONDO:0012127, OMIM 608807.
Dilated cardiomyopathy 1G (CMD1G). Identifiers: Orphanet 154, MedGen C1858763, MONDO:0011400, OMIM 604145.

gnomAD v4.1: 1 of 1,613,032 alleles (0.000062%); highest among the groups gnomAD compares: Non-Finnish European, 0.000085%; no homozygotes.

Submissions (2):

Molecular Diagnostic Laboratory for Inherited Cardiovascular Disease, Montreal Heart Institute
Classification: Likely benign. Last evaluated: 2025-04-09. Review status: criteria provided, single submitter. Criteria: ACMG Guidelines, 2015. Collection method: clinical testing. Allele origin: germline. Affected: no.
Comment: BP7

Labcorp Genetics (formerly Invitae), Labcorp
Classification: Likely benign for Dilated cardiomyopathy 1G; Autosomal recessive limb-girdle muscular dystrophy type 2J. Last evaluated: 2024-04-15. Review status: criteria provided, single submitter. Criteria: Invitae Variant Classification Sherloc (09022015). Collection method: clinical testing. Allele origin: germline.